The following is an entry in ClinVar:

ClinVar aggregate classification (germline): Pathogenic (1 of 4 stars; one submission).

Submission:

Labcorp Genetics (formerly Invitae), Labcorp
Classification: Pathogenic. Last evaluated: 2023-05-30. Review status: criteria provided, single submitter. Criteria: Invitae Variant Classification Sherloc (09022015). Collection method: clinical testing. Allele origin: unknown.
Comment: For these reasons, this variant has been classified as Pathogenic. A similar copy number variant has been observed in individual(s) with clinical features of Poirier-Bienvenu neurodevelopmental syndrome (PMID: 35598262). A gross deletion of the genomic region encompassing the full coding sequence of the CSNK2B gene has been identified. Loss-of-function variants in CSNK2B are known to be pathogenic (PMID: 31784560). The boundaries of this event are unknown as they extend beyond the assayed region for this gene and therefore may encompass additional genes.

Literature cited by the submitters: PubMed 35598262; PubMed 31784560.

NC_000006.11:g.(?_31631971)_(31895135_?)del

Genes: ABHD16A (abhydrolase domain containing 16A, phospholipase; minus strand), C2 (complement C2; plus strand), CLIC1 (CLIC family member 1; minus strand), CSNK2B (casein kinase 2 beta; plus strand), DDAH2 (DDAH family member 2, ADMA-independent; minus strand) and 20 more. Cytogenetic location: 6p21.33.
Variant type: Deletion.
Identifiers: ClinVar variation 3246158 (VCV003246158.1).